The following is an entry in ClinVar:

NM_203447.4(DOCK8):c.3032G>A (p.Arg1011His)

Gene: DOCK8 (dedicator of cytokinesis 8; plus strand). Cytogenetic location: 9p24.3.
Variant type: single nucleotide variant.
Coding change: c.3032G>A on transcript NM_203447.4 (MANE Select); coding-DNA position 3032, G replaced by A.
Protein change: p.Arg1011His; replaces arginine 1011 with histidine.
Molecular consequence: missense variant.
Genome position (GRCh38, 1-based): chr9:396,846, G>A. VCF-style: chr9-396846-G-A. GRCh37 (hg19) VCF-style: chr9-396846-G-A.
Other names: c.2732G>A, p.Arg911His (NM_001190458.2); c.2828G>A, p.Arg943His (NM_001193536.2); short protein forms R943H, R1011H, R911H.
Identifiers: ClinVar variation 955194 (VCV000955194.5), dbSNP rs775921392, ClinGen allele CA4958474.

ClinVar aggregate classification (germline): Uncertain significance (1 of 4 stars; one submission).

Conditions:
Combined immunodeficiency due to DOCK8 deficiency (HIES2). Also called: HIES autosomal recessive; DOCK8 Deficiency; Hyper-IgE recurrent infection syndrome, autosomal recessive; HYPER-IgE RECURRENT INFECTION SYNDROME 2, AUTOSOMAL RECESSIVE; HYPER-IgE SYNDROME 2, AUTOSOMAL RECESSIVE, WITH RECURRENT INFECTIONS. Identifiers: Orphanet 217390, MedGen C4722305, MONDO:0009478, OMIM 243700.

Allele frequency attached by ClinVar (database versions not stated): TOPMed 0.00002.
gnomAD v4.1: 21 of 1,613,966 alleles (0.0013%); highest among the groups gnomAD compares: Middle Eastern, 0.016%; no homozygotes.

Submission:

Labcorp Genetics (formerly Invitae), Labcorp
Classification: Uncertain significance for Combined immunodeficiency due to DOCK8 deficiency. Last evaluated: 2024-05-15. Review status: criteria provided, single submitter. Criteria: Invitae Variant Classification Sherloc (09022015). Collection method: clinical testing. Allele origin: germline.
Comment: This sequence change replaces arginine, which is basic and polar, with histidine, which is basic and polar, at codon 1011 of the DOCK8 protein (p.Arg1011His). This variant is present in population databases (rs775921392, gnomAD 0.006%). This variant has not been reported in the literature in individuals affected with DOCK8-related conditions. ClinVar contains an entry for this variant (Variation ID: 955194). Advanced modeling of protein sequence and biophysical properties (such as structural, functional, and spatial information, amino acid conservation, physicochemical variation, residue mobility, and thermodynamic stability) performed at Invitae indicates that this missense variant is expected to disrupt DOCK8 protein function with a positive predictive value of 80%. In summary, the available evidence is currently insufficient to determine the role of this variant in disease. Therefore, it has been classified as a Variant of Uncertain Significance.